The following is an entry in ClinVar:

NM_017514.5(PLXNA3):c.3727A>G (p.Lys1243Glu)

Gene: PLXNA3 (plexin A3; plus strand). Cytogenetic location: Xq28.
Variant type: single nucleotide variant.
Coding change: c.3727A>G on transcript NM_017514.5 (MANE Select); coding-DNA position 3727, A replaced by G.
Protein change: p.Lys1243Glu; replaces lysine 1243 with glutamic acid.
Molecular consequence: missense variant.
Genome position (GRCh38, 1-based): chrX:154,467,908, A>G. VCF-style: chrX-154467908-A-G. GRCh37 (hg19) VCF-style: chrX-153696251-A-G.
Other names: short protein forms K1243E.
Identifiers: ClinVar variation 3349667 (VCV003349667.1).

ClinVar aggregate classification (germline): Uncertain significance (0 of 4 stars; one submission).

Conditions:
PLXNA3-related disorder. Also called: PLXNA3-related condition.

Submission:

PreventionGenetics, part of Exact Sciences
Classification: Uncertain significance for PLXNA3-related condition. Last evaluated: 2023-12-26. Review status: no assertion criteria provided. Collection method: clinical testing. Allele origin: germline.
Comment: The PLXNA3 c.3727A>G variant is predicted to result in the amino acid substitution p.Lys1243Glu. To our knowledge, this variant has not been reported in the literature or in a large population database, indicating this variant is rare. At this time, the clinical significance of this variant is uncertain due to the absence of conclusive functional and genetic evidence.